The following is an entry in ClinVar:

NM_020632.3(ATP6V0A4):c.881C>T (p.Ser294Phe)

Gene: ATP6V0A4 (ATPase H+ transporting V0 subunit a4; minus strand). Cytogenetic location: 7q34.
Variant type: single nucleotide variant.
Coding change: c.881C>T on transcript NM_020632.3 (MANE Select); coding-DNA position 881, C replaced by T.
Protein change: p.Ser294Phe; replaces serine 294 with phenylalanine.
Molecular consequence: missense variant.
Genome position (GRCh38, 1-based): chr7:138,752,773, G>A on the plus strand (C>T on the coding strand, the complement: ATP6V0A4 is on the minus strand). VCF-style: chr7-138752773-G-A. GRCh37 (hg19) VCF-style: chr7-138437518-G-A.
Other names: c.881C>T, p.Ser294Phe (NM_130840.3, NM_130841.3); c.881C>T (NM_020632.2); short protein forms S294F.
Identifiers: ClinVar variation 1010458 (VCV001010458.10), dbSNP rs144697860, ClinGen allele CA4504957.

ClinVar aggregate classification (germline): Uncertain significance. Review status: criteria provided, multiple submitters, no conflicts (2 of 4 stars). 3 submissions from 3 submitters: Uncertain significance (2). 1 of the submissions does not count toward it. Last evaluated 2024-04-11.

Conditions:
ATP6V0A4-related disorder. Also called: ATP6V0A4-related condition.
Renal tubular acidosis, distal, 3, with or without sensorineural hearing loss (DRTA3). Identifiers: MedGen C5399980, MONDO:0011268, OMIM 602722.

Allele frequency attached by ClinVar (database versions not stated): gnomAD exomes 0.00004 and 0.00017; ExAC 0.00016; gnomAD 0.00025 and 0.00027; TOPMed 0.00027; 1000 Genomes Project 0.00040; 1000 Genomes Project 30x 0.00047; ESP Exome Variant Server 0.00023.
gnomAD v4.1: 127 of 1,614,214 alleles (0.0079%); highest among the groups gnomAD compares: East Asian, 0.087%; no homozygotes.

Submissions (3):

Fulgent Genetics
Classification: Uncertain significance for Renal tubular acidosis, distal, 3, with or without sensorineural hearing loss. Last evaluated: 2024-04-11. Review status: criteria provided, single submitter. Criteria: ACMG Guidelines, 2015. Collection method: clinical testing. Allele origin: germline.

Labcorp Genetics (formerly Invitae), Labcorp
Classification: Uncertain significance. Last evaluated: 2023-06-14. Review status: criteria provided, single submitter. Criteria: Invitae Variant Classification Sherloc (09022015). Collection method: clinical testing. Allele origin: germline.
Comment: In summary, the available evidence is currently insufficient to determine the role of this variant in disease. Therefore, it has been classified as a Variant of Uncertain Significance. Advanced modeling of protein sequence and biophysical properties (such as structural, functional, and spatial information, amino acid conservation, physicochemical variation, residue mobility, and thermodynamic stability) performed at Invitae indicates that this missense variant is not expected to disrupt ATP6V0A4 protein function. ClinVar contains an entry for this variant (Variation ID: 1010458). This variant has not been reported in the literature in individuals affected with ATP6V0A4-related conditions. This variant is present in population databases (rs144697860, gnomAD 0.1%). This sequence change replaces serine, which is neutral and polar, with phenylalanine, which is neutral and non-polar, at codon 294 of the ATP6V0A4 protein (p.Ser294Phe).

PreventionGenetics, part of Exact Sciences
Classification: Uncertain significance for ATP6V0A4-related condition. Last evaluated: 2024-03-20. Review status: no assertion criteria provided. Collection method: clinical testing. Allele origin: germline. Not counted in ClinVar's aggregate classification.
Comment: The ATP6V0A4 c.881C>T variant is predicted to result in the amino acid substitution p.Ser294Phe. To our knowledge, this variant has not been reported in the literature. This variant is reported in 0.14% of alleles in individuals of East Asian descent in gnomAD. Although we suspect that this variant may be benign, at this time, the clinical significance of this variant is uncertain due to the absence of conclusive functional and genetic evidence.